The following is an entry in ClinVar:

ClinVar aggregate classification (germline): Uncertain significance. Review status: criteria provided, multiple submitters, no conflicts (2 of 4 stars). 2 submissions from 2 submitters: Uncertain significance (2). Last evaluated 2024-08-28.

Allele frequency attached by ClinVar (database versions not stated): gnomAD exomes below 0.00001.
gnomAD v4.1: 2 of 1,538,654 alleles (0.00013%); highest among the groups gnomAD compares: Non-Finnish European, 0.00018%; no homozygotes.

Submissions (2):

Ambry Genetics
Classification: Uncertain significance. Last evaluated: 2024-08-28. Review status: criteria provided, single submitter. Criteria: Ambry Variant Classification Scheme 2023. Collection method: clinical testing. Allele origin: germline.

Labcorp Genetics (formerly Invitae), Labcorp
Classification: Uncertain significance. Last evaluated: 2023-05-18. Review status: criteria provided, single submitter. Criteria: Invitae Variant Classification Sherloc (09022015). Collection method: clinical testing. Allele origin: germline.
Comment: This variant has not been reported in the literature in individuals affected with GATA5-related conditions. ClinVar contains an entry for this variant (Variation ID: 1425338). This variant is not present in population databases (gnomAD no frequency). This sequence change replaces aspartic acid, which is acidic and polar, with asparagine, which is neutral and polar, at codon 353 of the GATA5 protein (p.Asp353Asn). Advanced modeling of protein sequence and biophysical properties (such as structural, functional, and spatial information, amino acid conservation, physicochemical variation, residue mobility, and thermodynamic stability) performed at Invitae indicates that this missense variant is not expected to disrupt GATA5 protein function. In summary, the available evidence is currently insufficient to determine the role of this variant in disease. Therefore, it has been classified as a Variant of Uncertain Significance.

NM_080473.5(GATA5):c.1057G>A (p.Asp353Asn)

Gene: GATA5 (GATA binding protein 5; minus strand). Cytogenetic location: 20q13.33.
Variant type: single nucleotide variant.
Coding change: c.1057G>A on transcript NM_080473.5 (MANE Select); coding-DNA position 1057, G replaced by A.
Protein change: p.Asp353Asn; replaces aspartic acid 353 with asparagine.
Molecular consequence: missense variant.
Genome position (GRCh38, 1-based): chr20:62,464,973, C>T on the plus strand (G>A on the coding strand, the complement: GATA5 is on the minus strand). VCF-style: chr20-62464973-C-T. GRCh37 (hg19) VCF-style: chr20-61040029-C-T.
Other names: c.1057G>A (NM_080473.4); short protein forms D353N.
Identifiers: ClinVar variation 1425338 (VCV001425338.7), dbSNP rs2146479508, ClinGen allele CA409552006.
Genomic context (GRCh38, chr20:62,464,973, plus strand): 5'-AGGGGAAGGCAAAGTCCTCAGGCTCGAACTTGAACTCCAAGTGGCCGGGGGCAAGAGAGT[C>T]ATCCTCCTGGCCAGAGGCCTGCAGGGACAGGAGAGCGTGAGAATGTGGGGTGGGGCGTGG-3'
Protein context (NP_536721.1, residues 343-363): MAPQASGQED[Asp353Asn]SLAPGHLEFK